The following is an entry in ClinVar:

ClinVar aggregate classification (germline): Pathogenic (1 of 4 stars; one submission).

Submission:

Labcorp Genetics (formerly Invitae), Labcorp
Classification: Pathogenic. Last evaluated: 2025-06-27. Review status: criteria provided, single submitter. Criteria: Invitae Variant Classification Sherloc (09022015). Collection method: clinical testing. Allele origin: germline.
Comment: This sequence change creates a premature translational stop signal (p.Asp337Leufs*53) in the SRRM2 gene. It is expected to result in an absent or disrupted protein product. Loss-of-function variants in SRRM2 are known to be pathogenic (PMID: 35567594). This variant is not present in population databases (gnomAD no frequency). This variant has not been reported in the literature in individuals affected with SRRM2-related conditions. For these reasons, this variant has been classified as Pathogenic.

Literature cited by the submitters: PubMed 35567594.

NM_016333.4(SRRM2):c.1001_1008dup (p.Asp337fs)

Gene: SRRM2 (serine/arginine repetitive matrix 2; plus strand). Cytogenetic location: 16p13.3.
Variant type: Duplication.
Coding change: c.1001_1008dup on transcript NM_016333.4 (MANE Select); coding-DNA positions 1001 to 1008, 8 bases duplicated (CTTATGAA; older notation c.1001_1008dupCTTATGAA).
Protein change: p.Asp337fs; shifts the reading frame from aspartic acid 337.
Molecular consequence: frameshift variant.
Genome position (GRCh38, 1-based): chr16:2,760,468-2,760,475, CTTATGAA duplicated. VCF-style (leftmost placement, unchanged base first): chr16-2760467-C-CCTTATGAA. GRCh37 (hg19) VCF-style: chr16-2810468-C-CCTTATGAA.
Other names: short protein forms D337fs.
Identifiers: ClinVar variation 4722250 (VCV004722250.1).